The following is an entry in ClinVar:

ClinVar aggregate classification (germline): Pathogenic. Review status: criteria provided, multiple submitters, no conflicts (2 of 4 stars). 2 submissions from 2 submitters: Pathogenic (2). Last evaluated 2026-09-10.

Conditions:
Inherited MMR deficiency (Lynch syndrome).
Lynch syndrome 4 (LYNCH4). Also called: Colorectal cancer, hereditary nonpolyposis, type 4; Hereditary non-polyposis colorectal cancer, type 4. Identifiers: Orphanet 144, MedGen C1838333, MONDO:0013699, OMIM 614337. Disease mechanism: loss of function.

Submissions (2):

Cambridge Genomics Laboratory, East Genomic Laboratory Hub, NHS Genomic Medicine Service
Classification: Pathogenic for Inherited MMR deficiency (Lynch syndrome). Last evaluated: 2026-09-10. Review status: criteria provided, single submitter. Criteria: ACGS Best Practice Guidelines for Variant Classification in Rare Disease 2020. Collection method: clinical testing. Allele origin: germline. Affected: yes.
Comment: PVS1,PM2_Supporting,PM5_Supporting

Myriad Genetics, Inc.
Classification: Pathogenic for Lynch syndrome 4. Last evaluated: 2023-09-19. Review status: criteria provided, single submitter. Criteria: Myriad Autosomal Dominant, Autosomal Recessive and X-Linked Classification Criteria (2023). Collection method: clinical testing. Allele origin: unknown.
Comment: This variant is considered pathogenic. This variant creates a termination codon and is predicted to result in premature protein truncation.

NM_000535.7(PMS2):c.757G>T (p.Glu253Ter)

Gene: PMS2 (PMS1 homolog 2, mismatch repair system component; minus strand). Cytogenetic location: 7p22.1.
Variant type: single nucleotide variant.
Coding change: c.757G>T on transcript NM_000535.7 (MANE Select); coding-DNA position 757, G replaced by T.
Protein change: p.Glu253Ter; replaces glutamic acid 253 with a stop codon.
Molecular consequence: nonsense. On other transcripts: non-coding transcript variant (1), intron variant (3), 5 prime UTR variant (2).
Genome position (GRCh38, 1-based): chr7:5,997,372, C>A on the plus strand (G>T on the coding strand, the complement: PMS2 is on the minus strand). VCF-style: chr7-5997372-C-A. GRCh37 (hg19) VCF-style: chr7-6037003-C-A.
Other names: c.439G>T, p.Glu147Ter (NM_001406901.1, NM_001406902.1, NM_001406903.1 and 4 more transcripts); c.244G>T, p.Glu82Ter (NM_001406904.1, NM_001406905.1); c.352G>T, p.Glu118Ter (NM_001406906.1, NM_001406907.1, NM_001406908.1 and 20 more transcripts); c.184G>T, p.Glu62Ter (NM_001406909.1, NM_001322013.2); c.757G>T, p.Glu253Ter (NM_001406912.1, NM_001322006.2, NM_001322014.2 and 3 more transcripts); c.132+5081G>T (NM_001406911.1); c.537+5081G>T (NM_001406886.1); c.705+1736G>T (NM_001406873.1); and 7 more; short protein forms E118*, E141*, E147*, E150*, E197*, E217*, E253*, E261*.
Identifiers: ClinVar variation 2674245 (VCV002674245.2), dbSNP rs2536223812, ClinGen allele CA366743698.